The following is an entry in ClinVar:

Conditions:
Arteriohepatic dysplasia. Also called: Alagille Syndrome. Identifiers: Orphanet 52, MedGen C0085280, MeSH D016738, MONDO:0007318.

Submission:

Gilbert/Spinner Lab, Children's Hospital of Philadelphia
No classification provided (evidence only). Condition: Alagille syndrome. Review status: no classification provided. Collection method: research. Allele origin: not applicable. Functional consequence: functionally_abnormal.
ClinVar note: "not provided" was previously submitted as the classification for the variant. However, the classification appeared to be based only on an observation of functional data so it was converted to no classification on 2025-07-30.

NM_000214.3(JAG1):c.861C>G (p.Asn287Lys)

Gene: JAG1 (jagged canonical Notch ligand 1; minus strand). Cytogenetic location: 20p12.2.
Variant type: single nucleotide variant.
Coding change: c.861C>G on transcript NM_000214.3 (MANE Select); coding-DNA position 861, C replaced by G.
Protein change: p.Asn287Lys; replaces asparagine 287 with lysine.
Molecular consequence: missense variant.
Genome position (GRCh38, 1-based): chr20:10,652,493, G>C on the plus strand (C>G on the coding strand, the complement: JAG1 is on the minus strand). VCF-style: chr20-10652493-G-C. GRCh37 (hg19) VCF-style: chr20-10633141-G-C.
Other names: short protein forms N287K.
Identifiers: ClinVar variation 3573149 (VCV003573149.2).